The following is an entry in ClinVar:

ClinVar aggregate classification (germline): Uncertain significance (1 of 4 stars; one submission).

Submission:

Labcorp Genetics (formerly Invitae), Labcorp
Classification: Uncertain significance. Last evaluated: 2024-04-19. Review status: criteria provided, single submitter. Criteria: Invitae Variant Classification Sherloc (09022015). Collection method: clinical testing. Allele origin: germline.
Comment: This sequence change replaces leucine, which is neutral and non-polar, with valine, which is neutral and non-polar, at codon 107 of the FLNB protein (p.Leu107Val). This variant is not present in population databases (gnomAD no frequency). This variant has not been reported in the literature in individuals affected with FLNB-related conditions. Advanced modeling of protein sequence and biophysical properties (such as structural, functional, and spatial information, amino acid conservation, physicochemical variation, residue mobility, and thermodynamic stability) performed at Invitae indicates that this missense variant is not expected to disrupt FLNB protein function with a negative predictive value of 95%. In summary, the available evidence is currently insufficient to determine the role of this variant in disease. Therefore, it has been classified as a Variant of Uncertain Significance.

NM_001457.4(FLNB):c.319C>G (p.Leu107Val)

Gene: FLNB (filamin B; plus strand). Cytogenetic location: 3p14.3.
Variant type: single nucleotide variant.
Coding change: c.319C>G on transcript NM_001457.4 (MANE Select); coding-DNA position 319, C replaced by G.
Protein change: p.Leu107Val; replaces leucine 107 with valine.
Molecular consequence: missense variant.
Genome position (GRCh38, 1-based): chr3:58,077,072, C>G. VCF-style: chr3-58077072-C-G. GRCh37 (hg19) VCF-style: chr3-58062799-C-G.
Other names: c.319C>G, p.Leu107Val (NM_001164317.2, NM_001164318.2, NM_001164319.2); short protein forms L107V.
Identifiers: ClinVar variation 3635695 (VCV003635695.2).